The following is an entry in ClinVar:

ClinVar aggregate classification (germline): Uncertain significance (1 of 4 stars; one submission).

Submission:

Labcorp Genetics (formerly Invitae), Labcorp
Classification: Uncertain significance. Last evaluated: 2022-05-11. Review status: criteria provided, single submitter. Criteria: Invitae Variant Classification Sherloc (09022015). Collection method: clinical testing. Allele origin: germline.
Comment: This variant has not been reported in the literature in individuals affected with P4HB-related conditions. In summary, the available evidence is currently insufficient to determine the role of this variant in disease. Therefore, it has been classified as a Variant of Uncertain Significance. Algorithms developed to predict the effect of sequence changes on RNA splicing suggest that this variant may create or strengthen a splice site. Algorithms developed to predict the effect of missense changes on protein structure and function (SIFT, PolyPhen-2, Align-GVGD) all suggest that this variant is likely to be disruptive. This variant is not present in population databases (gnomAD no frequency). This sequence change replaces aspartic acid, which is acidic and polar, with histidine, which is basic and polar, at codon 292 of the P4HB protein (p.Asp292His).

NM_000918.4(P4HB):c.874G>C (p.Asp292His)

Gene: P4HB (prolyl 4-hydroxylase subunit beta; minus strand). Cytogenetic location: 17q25.3.
Variant type: single nucleotide variant.
Coding change: c.874G>C on transcript NM_000918.4 (MANE Select); coding-DNA position 874, G replaced by C.
Protein change: p.Asp292His; replaces aspartic acid 292 with histidine.
Molecular consequence: missense variant.
Genome position (GRCh38, 1-based): chr17:81,846,611, C>G on the plus strand (G>C on the coding strand, the complement: P4HB is on the minus strand). VCF-style: chr17-81846611-C-G. GRCh37 (hg19) VCF-style: chr17-79804487-C-G.
Other names: short protein forms D292H.
Identifiers: ClinVar variation 1950210 (VCV001950210.5), dbSNP rs145209834, ClinGen allele CA401509759.